The following is an entry in ClinVar:

ClinVar aggregate classification (germline): Conflicting classifications of pathogenicity. Review status: criteria provided, conflicting classifications (1 of 4 stars). 7 submissions from 7 submitters: Uncertain significance (2); Benign (2); Likely benign (3). Last evaluated 2026-02-02.

Conditions:
Inborn genetic diseases. Identifiers: MedGen C0950123, MeSH D030342.
Pitt-Hopkins-like syndrome 2 (PTHSL2). Identifiers: Orphanet 221150, Orphanet 600663, MedGen C3280479, MONDO:0013690, OMIM 614325.

Allele frequency attached by ClinVar (database versions not stated): gnomAD exomes 0.00006 and 0.00020; ExAC 0.00024; gnomAD 0.00081 and 0.00083; TOPMed 0.00095; ESP Exome Variant Server 0.00107; 1000 Genomes Project 30x 0.00109; 1000 Genomes Project 0.00120.
gnomAD v4.1: 216 of 1,613,654 alleles (0.013%); highest among the groups gnomAD compares: African/African-American, 0.27%; no homozygotes.

Submissions (7):

Labcorp Genetics (formerly Invitae), Labcorp
Classification: Benign for Pitt-Hopkins-like syndrome 2. Last evaluated: 2026-02-02. Review status: criteria provided, single submitter. Criteria: Invitae Variant Classification Sherloc (09022015). Collection method: clinical testing. Allele origin: germline.

Blueprint Genetics
Classification: Likely benign. Last evaluated: 2023-11-07. Review status: criteria provided, single submitter. Criteria: ACMG Guidelines, 2015. Collection method: clinical testing. Allele origin: germline.

CeGaT Center for Human Genetics Tuebingen
Classification: Likely benign. Last evaluated: 2022-08-01. Review status: criteria provided, single submitter. Criteria: CeGaT Center For Human Genetics Tuebingen Variant Classification Criteria Version 2. Collection method: clinical testing. Allele origin: germline. Affected: yes. Observed: 1 variant allele.
Comment: NRXN1: BP4

Eurofins Ntd Llc (ga)
Classification: Uncertain significance. Last evaluated: 2018-04-06. Review status: criteria provided, single submitter. Criteria: EGL ClinVar v180209 classification definitions. Collection method: clinical testing. Allele origin: germline. Observed: 2 variant alleles, 2 heterozygotes.

Ambry Genetics
Classification: Likely benign for Inborn genetic diseases. Last evaluated: 2017-04-13. Review status: criteria provided, single submitter. Criteria: Ambry Variant Classification Scheme 2023. Collection method: clinical testing. Allele origin: germline.

Genetic Services Laboratory, University of Chicago
Classification: Uncertain significance. Last evaluated: 2015-04-03. Review status: criteria provided, single submitter. Criteria: ACMG Guidelines, 2015. Collection method: clinical testing. Allele origin: germline.

GeneDx
Classification: Benign. Last evaluated: 2014-08-28. Review status: criteria provided, single submitter. Criteria: GeneDx Variant Classification (06012015). Collection method: clinical testing. Allele origin: germline. Affected: yes.
Comment: This variant is considered likely benign or benign based on one or more of the following criteria: it is a conservative change, it occurs at a poorly conserved position in the protein, it is predicted to be benign by multiple in silico algorithms, and/or has population frequency not consistent with disease.

NM_001330078.2(NRXN1):c.2772C>T (p.Tyr924=)

Gene: NRXN1 (neurexin 1; minus strand). Cytogenetic location: 2p16.3.
Variant type: single nucleotide variant.
Coding change: c.2772C>T on transcript NM_001330078.2 (MANE Select); coding-DNA position 2772, C replaced by T.
Protein change: p.Tyr924=; no amino-acid change (tyrosine 924 retained).
Molecular consequence: synonymous variant.
Genome position (GRCh38, 1-based): chr2:50,497,440, G>A on the plus strand (C>T on the coding strand, the complement: NRXN1 is on the minus strand). VCF-style: chr2-50497440-G-A. GRCh37 (hg19) VCF-style: chr2-50724578-G-A.
Other names: p.Y964Y:TAC>TAT; c.2892C>T, p.Tyr964= (NM_001135659.3); c.2748C>T, p.Tyr916= (NM_001330077.2, NM_001330082.2); c.2706C>T, p.Tyr902= (NM_001330083.2, NM_001330084.2); c.2745C>T, p.Tyr915= (NM_001330085.2); c.2772C>T, p.Tyr924= (NM_001330086.2, NM_004801.6); c.2661C>T, p.Tyr887= (NM_001330087.2, NM_001330096.2); c.2691C>T, p.Tyr897= (NM_001330088.2); and 3 more.
Identifiers: ClinVar variation 206206 (VCV000206206.49), dbSNP rs200182626, ClinGen allele CA316063.